The following is an entry in ClinVar:

NM_000046.5(ARSB):c.*2408A>G

Gene: ARSB (arylsulfatase B; minus strand). Cytogenetic location: 5q14.1.
Variant type: single nucleotide variant.
Coding change: c.*2408A>G on transcript NM_000046.5 (MANE Select); 2408 bases downstream of the stop codon, A replaced by G.
Molecular consequence: 3 prime UTR variant.
Genome position (GRCh38, 1-based): chr5:78,777,989, T>C on the plus strand (A>G on the coding strand, the complement: ARSB is on the minus strand). VCF-style: chr5-78777989-T-C. GRCh37 (hg19) VCF-style: chr5-78073812-T-C.
Identifiers: ClinVar variation 904313 (VCV000904313.29), dbSNP rs13354324, ClinGen allele CA15376663.
Genomic context (GRCh38, chr5:78,777,989, plus strand): 5'-ATAGAATCAGAGAATCTAATGAAATACATTCTATTATGGATAAACCAAAATCTCAAGTAC[T>C]TGTTTTACAAAAAATTAAGTCTTCAAAACTCTTTTGAAGTCCACTGGGTGCAGAACATCC-3'

ClinVar aggregate classification (germline): Conflicting classifications of pathogenicity. Review status: criteria provided, conflicting classifications (1 of 4 stars). 3 submissions from 3 submitters: Uncertain significance (2); Likely benign (1). Last evaluated 2023-07-01.

Conditions:
Mucopolysaccharidosis type 6 (MPS6). Also called: ARSB DEFICIENCY; ARYLSULFATASE B DEFICIENCY; MPS 6; Maroteaux Lamy syndrome; N-ACETYLGALACTOSAMINE-4-SULFATASE DEFICIENCY; MPS VI. Identifiers: Orphanet 583, MedGen C0026709, MONDO:0009661, OMIM 253200.

Allele frequency attached by ClinVar (database versions not stated): 1000 Genomes Project 0.00419; 1000 Genomes Project 30x 0.00422; gnomAD 0.00491 and 0.00512; TOPMed 0.00521.

Submissions (3):

CeGaT Center for Human Genetics Tuebingen
Classification: Likely benign. Last evaluated: 2023-07-01. Review status: criteria provided, single submitter. Criteria: CeGaT Center For Human Genetics Tuebingen Variant Classification Criteria Version 2. Collection method: clinical testing. Allele origin: germline. Affected: yes. Observed: 3 variant alleles.
Comment: ARSB: BS1

Illumina Laboratory Services, Illumina
Classification: Uncertain significance for Mucopolysaccharidosis type 6. Last evaluated: 2018-01-13. Review status: criteria provided, single submitter. Criteria: ICSL Variant Classification Criteria 13 December 2019. Collection method: clinical testing. Allele origin: germline.

Breakthrough Genomics
Classification: Uncertain significance. Review status: criteria provided, single submitter. Criteria: ACMG Guidelines, 2015. Collection method: not provided. Allele origin: germline. Inheritance: Autosomal recessive inheritance. Affected: yes.